The following is an entry in ClinVar:

ClinVar aggregate classification (germline): Benign/Likely benign. Review status: criteria provided, multiple submitters, no conflicts (2 of 4 stars). 6 submissions from 6 submitters: Benign (4); Likely benign (2). Last evaluated 2026-02-01.

Conditions:
Megaloblastic anemia, thiamine-responsive, with diabetes mellitus and sensorineural deafness (TRMA). Also called: THIAMINE METABOLISM DYSFUNCTION SYNDROME 1 (MEGALOBLASTIC ANEMIA, DIABETES MELLITUS, AND DEAFNESS TYPE); Thiamine-Responsive Megaloblastic Anemia Syndrome; ROGERS SYNDROME; THIAMINE-RESPONSIVE ANEMIA SYNDROME; THIAMINE-RESPONSIVE MYELODYSPLASIA. Identifiers: Orphanet 49827, MedGen C0342287, MONDO:0009575, OMIM 249270.

Allele frequency attached by ClinVar (database versions not stated): gnomAD exomes 0.00094; ExAC 0.00110; 1000 Genomes Project 0.00339; 1000 Genomes Project 30x 0.00344; gnomAD 0.00348 and 0.00374; ESP Exome Variant Server 0.00369; TOPMed 0.00432.
gnomAD v4.1: 1,076 of 1,614,176 alleles (0.067%); highest among the groups gnomAD compares: African/African-American, 1.3%; 12 homozygotes.

Submissions (6):

Labcorp Genetics (formerly Invitae), Labcorp
Classification: Benign. Last evaluated: 2026-02-01. Review status: criteria provided, single submitter. Criteria: Invitae Variant Classification Sherloc (09022015). Collection method: clinical testing. Allele origin: germline.

ARUP Laboratories, Molecular Genetics and Genomics, ARUP Laboratories
Classification: Benign for Megaloblastic anemia, thiamine-responsive, with diabetes mellitus and sensorineural deafness. Last evaluated: 2025-05-15. Review status: criteria provided, single submitter. Criteria: ARUP Molecular Germline Variant Investigation Process 2024. Collection method: clinical testing. Allele origin: germline.

Blueprint Genetics
Classification: Likely benign. Last evaluated: 2024-11-01. Review status: criteria provided, single submitter. Criteria: ACMG Guidelines, 2015. Collection method: clinical testing. Allele origin: germline.

Mayo Clinic Laboratories, Mayo Clinic
Classification: Benign. Last evaluated: 2024-10-23. Review status: criteria provided, single submitter. Criteria: ACMG Guidelines, 2015. Collection method: clinical testing. Allele origin: germline. Observed: 1 variant allele.
Comment: BA1

GeneDx
Classification: Likely benign. Last evaluated: 2020-12-16. Review status: criteria provided, single submitter. Criteria: GeneDx Variant Classification Process June 2021. Collection method: clinical testing. Allele origin: germline. Affected: yes.

Illumina Laboratory Services, Illumina
Classification: Benign for Megaloblastic anemia, thiamine-responsive, with diabetes mellitus and sensorineural deafness. Last evaluated: 2018-01-12. Review status: criteria provided, single submitter. Criteria: ICSL Variant Classification Criteria 13 December 2019. Collection method: clinical testing. Allele origin: germline.
Comment: This variant was observed in the ICSL laboratory as part of a predisposition screen in an ostensibly healthy population. It had not been previously curated by ICSL or reported in the Human Gene Mutation Database (HGMD: prior to June 1st, 2018), and was therefore a candidate for classification through an automated scoring system. Utilizing variant allele frequency, disease prevalence and penetrance estimates, and inheritance mode, an automated score was calculated to assess if this variant is too frequent to cause the disease. Based on the score and internal cut-off values, a variant classified as benign is not then subjected to further curation. The score for this variant resulted in a classification of benign for this disease.

NM_006996.3(SLC19A2):c.561G>T (p.Leu187=)

Gene: SLC19A2 (solute carrier family 19 member 2; minus strand). Cytogenetic location: 1q24.2.
Variant type: single nucleotide variant.
Coding change: c.561G>T on transcript NM_006996.3 (MANE Select); coding-DNA position 561, G replaced by T.
Protein change: p.Leu187=; no amino-acid change (leucine 187 retained).
Molecular consequence: synonymous variant. On other transcripts: intron variant (1).
Genome position (GRCh38, 1-based): chr1:169,477,401, C>A on the plus strand (G>T on the coding strand, the complement: SLC19A2 is on the minus strand). VCF-style: chr1-169477401-C-A. GRCh37 (hg19) VCF-style: chr1-169446639-C-A.
Other names: p.Leu187=; c.205-7215G>T (NM_001319667.1).
Identifiers: ClinVar variation 293528 (VCV000293528.20), dbSNP rs150548640, ClinGen allele CA1233049.